The following is an entry in ClinVar:

ClinVar aggregate classification (germline): Uncertain significance. Review status: criteria provided, multiple submitters, no conflicts (2 of 4 stars). 5 submissions from 5 submitters: Uncertain significance (4). 1 of the submissions does not count toward it. Last evaluated 2025-11-18.

Conditions:
Cardiovascular phenotype. Identifiers: MedGen CN230736.
Ehlers-Danlos syndrome due to tenascin-X deficiency (EDSCLL1). Also called: EHLERS-DANLOS SYNDROME, CLASSIC-LIKE; Ehlers-Danlos syndrome, classic-like, 1; TNX DEFICIENCY; TNXB-Related Classical-Like Ehlers-Danlos Syndrome; EDS DUE TO TNX DEFICIENCY. Identifiers: Orphanet 230839, MedGen C1848029, MONDO:0011670, OMIM 606408.

Allele frequency attached by ClinVar (database versions not stated): ExAC 0.00005; gnomAD exomes 0.00006; TOPMed 0.00006; gnomAD 0.00007; ESP Exome Variant Server 0.00016; 1000 Genomes Project 0.00020; 1000 Genomes Project 30x 0.00031.
gnomAD v4.1: 101 of 1,613,858 alleles (0.0063%); highest among the groups gnomAD compares: Middle Eastern, 0.017%; no homozygotes.

Submissions (5):

GeneDx
Classification: Uncertain significance. Last evaluated: 2025-11-18. Review status: criteria provided, single submitter. Criteria: GeneDx Variant Classification Process June 2021. Collection method: clinical testing. Allele origin: germline. Affected: yes.
Comment: Has not been previously published as pathogenic or benign to our knowledge; In silico analysis suggests that this missense variant does not alter protein structure/function

Ambry Genetics
Classification: Uncertain significance for Cardiovascular phenotype. Last evaluated: 2025-03-08. Review status: criteria provided, single submitter. Criteria: Ambry Variant Classification Scheme 2023. Collection method: clinical testing. Allele origin: germline.

Women's Health and Genetics/Laboratory Corporation of America, LabCorp
Classification: Uncertain significance. Last evaluated: 2025-02-17. Review status: criteria provided, single submitter. Criteria: LabCorp Variant Classification Summary - May 2015. Collection method: clinical testing. Allele origin: germline.
Comment: Variant summary: TNXB c.6493G>A (p.Gly2165Ser) results in a non-conservative amino acid change in the encoded protein sequence. Two of four in-silico tools predict a benign effect of the variant on protein function. The variant allele was found at a frequency of 4e-05 in 248456 control chromosomes. This frequency is not significantly higher than estimated for a pathogenic variant in TNXB causing Ehlers-Danlos syndrome due to tenascin-X deficiency (4e-05 vs 0.0011), allowing no conclusion about variant significance. To our knowledge, no occurrence of c.6493G>A in individuals affected with Ehlers-Danlos syndrome due to tenascin-X deficiency and no experimental evidence demonstrating its impact on protein function have been reported. ClinVar contains an entry for this variant (Variation ID: 1707348). Based on the evidence outlined above, the variant was classified as uncertain significance.

Mayo Clinic Laboratories, Mayo Clinic
Classification: Uncertain significance. Last evaluated: 2025-02-03. Review status: criteria provided, single submitter. Criteria: ACMG Guidelines, 2015. Collection method: clinical testing. Allele origin: germline. Observed: 1 variant allele.

Zotz-Klimas Genetics Lab, MVZ Zotz Klimas
Classification: Uncertain significance for Ehlers-Danlos syndrome due to tenascin-X deficiency. Last evaluated: 2023-10-09. Review status: no assertion criteria provided. Collection method: clinical testing. Allele origin: germline. Affected: yes. Not counted in ClinVar's aggregate classification.

NM_001365276.2(TNXB):c.6493G>A (p.Gly2165Ser)

Gene: TNXB (tenascin XB; minus strand). Cytogenetic location: 6p21.33.
Variant type: single nucleotide variant.
Coding change: c.6493G>A on transcript NM_001365276.2 (MANE Select); coding-DNA position 6493, G replaced by A.
Protein change: p.Gly2165Ser; replaces glycine 2165 with serine.
Molecular consequence: missense variant.
Genome position (GRCh38, 1-based): chr6:32,067,712, C>T on the plus strand (G>A on the coding strand, the complement: TNXB is on the minus strand). VCF-style: chr6-32067712-C-T. GRCh37 (hg19) VCF-style: chr6-32035489-C-T.
Other names: p.Gly2165Ser; c.6493G>A, p.Gly2165Ser (NM_019105.8); short protein forms G2165S.
Identifiers: ClinVar variation 1707348 (VCV001707348.11), dbSNP rs377107322, ClinGen allele CA3734415.
Genomic context (GRCh38, chr6:32,067,712, plus strand): 5'-CACACTCACCCGTGACGCCCACAGCAGACACTGGGCCCACGCGCCGCCCCTCGTGGAGGC[C>T]GTACAGGTGCATCTTGTACTTGCGCCCAGGCTCCAGGCCCCCCACGGTGACTTCACTCTC-3'
Protein context (NP_001352205.1, residues 2155-2175): PGRKYKMHLY[Gly2165Ser]LHEGRRVGPV